The following is an entry in ClinVar:

NM_001378024.1(ARHGAP32):c.5582G>C (p.Ser1861Thr)

Gene: ARHGAP32 (Rho GTPase activating protein 32; minus strand). Cytogenetic location: 11q24.3.
Variant type: single nucleotide variant.
Coding change: c.5582G>C on transcript NM_001378024.1 (MANE Select); coding-DNA position 5582, G replaced by C.
Protein change: p.Ser1861Thr; replaces serine 1861 with threonine.
Molecular consequence: missense variant.
Genome position (GRCh38, 1-based): chr11:128,969,631, C>G on the plus strand (G>C on the coding strand, the complement: ARHGAP32 is on the minus strand). VCF-style: chr11-128969631-C-G. GRCh37 (hg19) VCF-style: chr11-128839526-C-G.
Other names: c.5540G>C, p.Ser1847Thr (NM_001142685.2); c.5420G>C, p.Ser1807Thr (NM_001378025.1); c.4493G>C, p.Ser1498Thr (NM_014715.4); short protein forms S1498T, S1807T, S1847T, S1861T.
Identifiers: ClinVar variation 3055483 (VCV003055483.2), dbSNP rs60847789, ClinGen allele CA6358354.

ClinVar aggregate classification (germline): Benign (0 of 4 stars; one submission).

Conditions:
ARHGAP32-related disorder. Also called: ARHGAP32-related condition.

Allele frequency attached by ClinVar (database versions not stated): ExAC 0.07471; gnomAD exomes 0.07564; 1000 Genomes Project 0.08906; ESP Exome Variant Server 0.09118; 1000 Genomes Project 30x 0.09151; TOPMed 0.09210; gnomAD 0.09275.
gnomAD v4.1: 125,115 of 1,613,988 alleles (7.8%); highest among the groups gnomAD compares: African/African-American, 13%; 5,307 homozygotes.

Submission:

PreventionGenetics, part of Exact Sciences
Classification: Benign for ARHGAP32-related condition. Last evaluated: 2020-01-17. Review status: no assertion criteria provided. Collection method: clinical testing. Allele origin: germline.
Comment: This variant is classified as benign based on ACMG/AMP sequence variant interpretation guidelines (Richards et al. 2015 PMID: 25741868, with internal and published modifications).